The following is an entry in ClinVar:

ClinVar aggregate classification (germline): Uncertain significance (1 of 4 stars; one submission).

Conditions:
Autosomal recessive limb-girdle muscular dystrophy type 2W (MDRCMTT). Also called: Muscular dystrophy, autosomal recessive, with cardiomyopathy and triangular tongue; Muscular dystrophy, limb-girdle, type 2W. Identifiers: MedGen C4225192, MONDO:0014788, OMIM 616827.

gnomAD v4.1: 2 of 1,602,160 alleles (0.00012%); highest among the groups gnomAD compares: Non-Finnish European, 0.00017%; no homozygotes.

Submission:

Labcorp Genetics (formerly Invitae), Labcorp
Classification: Uncertain significance for Autosomal recessive limb-girdle muscular dystrophy type 2W. Last evaluated: 2023-04-14. Review status: criteria provided, single submitter. Criteria: Invitae Variant Classification Sherloc (09022015). Collection method: clinical testing. Allele origin: germline.
Comment: In summary, the available evidence is currently insufficient to determine the role of this variant in disease. Therefore, it has been classified as a Variant of Uncertain Significance. Algorithms developed to predict the effect of missense changes on protein structure and function output the following: SIFT: "Not Available"; PolyPhen-2: "Benign"; Align-GVGD: "Not Available". The glutamic acid amino acid residue is found in multiple mammalian species, which suggests that this missense change does not adversely affect protein function. This variant has not been reported in the literature in individuals affected with LIMS2-related conditions. This variant is present in population databases (rs755783718, gnomAD 0.001%). This sequence change replaces aspartic acid, which is acidic and polar, with glutamic acid, which is acidic and polar, at codon 30 of the LIMS2 protein (p.Asp30Glu).

NM_001161403.3(LIMS2):c.24C>A (p.Asp8Glu)

Gene: LIMS2 (LIM zinc finger domain containing 2; minus strand). Cytogenetic location: 2q14.3.
Variant type: single nucleotide variant.
Coding change: c.24C>A on transcript NM_001161403.3 (MANE Select); coding-DNA position 24, C replaced by A.
Protein change: p.Asp8Glu; replaces aspartic acid 8 with glutamic acid.
Molecular consequence: missense variant.
Genome position (GRCh38, 1-based): chr2:127,657,550, G>T on the plus strand (C>A on the coding strand, the complement: LIMS2 is on the minus strand). VCF-style: chr2-127657550-G-T. GRCh37 (hg19) VCF-style: chr2-128415124-G-T.
Other names: c.90C>A, p.Asp30Glu (NM_001136037.4); c.9C>A, p.Asp3Glu (NM_001161404.2); c.96C>A, p.Asp32Glu (NM_017980.5); short protein forms D32E, D8E, D30E, D3E.
Identifiers: ClinVar variation 2964914 (VCV002964914.3), dbSNP rs755783718, ClinGen allele CA1863601.